The following is an entry in ClinVar:

ClinVar aggregate classification (germline): Uncertain significance. Review status: criteria provided, multiple submitters, no conflicts (2 of 4 stars). 2 submissions from 2 submitters: Uncertain significance (2). Last evaluated 2025-02-21.

Conditions:
Stickler syndrome type 1 (STL1). Also called: STICKLER SYNDROME, MEMBRANOUS VITREOUS TYPE; STICKLER SYNDROME, VITREOUS TYPE 1; ARTHROOPHTHALMOPATHY, HEREDITARY PROGRESSIVE; COL2A1-Related Stickler Syndrome. Identifiers: Orphanet 828, Orphanet 90653, MedGen C2020284, MONDO:0007160, OMIM 108300.

Submissions (2):

3billion
Classification: Uncertain significance for Stickler syndrome type 1. Last evaluated: 2025-02-21. Review status: criteria provided, single submitter. Criteria: ACMG Guidelines, 2015. Collection method: clinical testing. Allele origin: germline. Affected: yes.
Comment: The variant is not observed in the gnomAD v4.1.0 dataset. Predicted Consequence/Location: Intron variant In silico tools predict the variant to alter splicing and produce an abnormal transcript [SpliceAI: 0.47 (>=0.2, moderate evidence for spliceogenicity)]. Therefore, this variant is classified as VUS according to the recommendation of ACMG/AMP guideline.

GeneDx
Classification: Uncertain significance. Last evaluated: 2024-11-07. Review status: criteria provided, single submitter. Criteria: GeneDx Variant Classification Process June 2021. Collection method: clinical testing. Allele origin: germline. Affected: yes.
Comment: Not observed at significant frequency in large population cohorts (gnomAD); Has not been previously published as pathogenic or benign to our knowledge; In silico analysis is inconclusive as to whether the variant alters gene splicing. In the absence of RNA/functional studies, the actual effect of this sequence change is unknown.

NM_001844.5(COL2A1):c.2517+5G>A

Gene: COL2A1 (collagen type II alpha 1 chain; minus strand). Cytogenetic location: 12q13.11.
Variant type: single nucleotide variant.
Coding change: c.2517+5G>A on transcript NM_001844.5 (MANE Select); 5 bases into the intron after coding-DNA position 2517, G replaced by A.
Molecular consequence: intron variant.
Genome position (GRCh38, 1-based): chr12:47,980,910, C>T on the plus strand (G>A on the coding strand, the complement: COL2A1 is on the minus strand). VCF-style: chr12-47980910-C-T. GRCh37 (hg19) VCF-style: chr12-48374693-C-T.
Other names: c.2310+5G>A (NM_033150.3).
Identifiers: ClinVar variation 3899188 (VCV003899188.2).